The following is an entry in ClinVar:

ClinVar aggregate classification (germline): Likely pathogenic. Review status: criteria provided, multiple submitters, no conflicts (2 of 4 stars). 3 submissions from 2 submitters: Likely pathogenic (3). Last evaluated 2021-06-10.

Conditions:
ARID1B-related BAFopathy.
Coffin-Siris syndrome 1 (CSS1). Also called: ARID1B-Related Coffin-Siris Syndrome; Mental retardation, autosomal dominant 12. Identifiers: Orphanet 1465, MedGen C3281201, MONDO:0007617, OMIM 135900. Disease mechanism: gain of function.

Submissions (3):

Baylor Genetics
Classification: Likely pathogenic for ARID1B-related BAFopathy. Last evaluated: 2021-06-10. Review status: criteria provided, single submitter. Criteria: ACMG Guidelines, 2015. Collection method: clinical testing. Allele origin: de novo. Affected: yes.

Baylor Genetics
Classification: Likely pathogenic for Coffin-Siris syndrome 1. Last evaluated: 2018-01-29. Review status: criteria provided, single submitter. Criteria: ACMG Guidelines, 2015. Collection method: clinical testing. Allele origin: de novo. Affected: yes.
Comment: This variant was determined to be likely pathogenic according to ACMG Guidelines, 2015 [PMID:25741868].

GeneDx
Classification: Likely pathogenic. Last evaluated: 2016-01-25. Review status: criteria provided, single submitter. Criteria: GeneDx Variant Classification (06012015). Collection method: clinical testing. Allele origin: germline. Affected: yes.
Comment: The G791S variant in the ARID1B gene has not been reported previously as a pathogenic variant, nor as a benign variant, to our knowledge. The G791S variant was not observed in approximately 6500 individuals of European and African American ancestry in the NHLBI Exome Sequencing Project, indicating it is not a common benign variant in these populations. This substitution occurs at a position where amino acids with similar properties to Glycine are tolerated across species. In silico analysis is inconsistent in its predictions as to whether or not the variant is damaging to the protein structure/function. The G791S variant is a strong candidate for a pathogenic variant.

NM_001374828.1(ARID1B):c.2581G>A (p.Gly861Ser)

Gene: ARID1B (AT-rich interaction domain 1B; plus strand). Cytogenetic location: 6q25.3.
Variant type: single nucleotide variant.
Coding change: c.2581G>A on transcript NM_001374828.1 (MANE Select); coding-DNA position 2581, G replaced by A.
Protein change: p.Gly861Ser; replaces glycine 861 with serine.
Molecular consequence: missense variant.
Genome position (GRCh38, 1-based): chr6:157,110,561, G>A. VCF-style: chr6-157110561-G-A. GRCh37 (hg19) VCF-style: chr6-157431695-G-A.
Other names: c.2371G>A, p.Gly791Ser (NM_020732.3); c.82G>A, p.Gly28Ser (NM_001363725.2); c.2620G>A, p.Gly874Ser (NM_001371656.1, NM_001374820.1); c.2581G>A, p.Gly861Ser (NM_017519.3); short protein forms G791S, G28S, G861S, G874S.
Identifiers: ClinVar variation 372882 (VCV000372882.3), dbSNP rs1057518045, ClinGen allele CA16042661.